The following is an entry in ClinVar:

NM_032383.5(HPS3):c.882T>G (p.Tyr294Ter)

Gene: HPS3 (HPS3 biogenesis of lysosomal organelles complex 2 subunit 1; plus strand). Cytogenetic location: 3q24.
Variant type: single nucleotide variant.
Coding change: c.882T>G on transcript NM_032383.5 (MANE Select); coding-DNA position 882, T replaced by G.
Protein change: p.Tyr294Ter; replaces tyrosine 294 with a stop codon.
Molecular consequence: nonsense.
Genome position (GRCh38, 1-based): chr3:149,141,186, T>G. VCF-style: chr3-149141186-T-G. GRCh37 (hg19) VCF-style: chr3-148858973-T-G.
Other names: c.387T>G, p.Tyr129Ter (NM_001308258.2); short protein forms Y294*, Y129*.
Identifiers: ClinVar variation 2027849 (VCV002027849.5), dbSNP rs752087954, ClinGen allele CA2659895.

ClinVar aggregate classification (germline): Pathogenic. Review status: criteria provided, multiple submitters, no conflicts (2 of 4 stars). 2 submissions from 2 submitters: Pathogenic (2). Last evaluated 2024-10-04.

Conditions:
Hermansky-Pudlak syndrome 3 (HPS3). Identifiers: Orphanet 231512, Orphanet 79430, MedGen C3888001, MONDO:0013555, OMIM 614072.

Allele frequency attached by ClinVar (database versions not stated): TOPMed below 0.00001; ExAC 0.00001.

Submissions (2):

Dubai Health Genomic Medicine Center, Dubai Health
Classification: Pathogenic for Hermansky-Pudlak syndrome 3. Last evaluated: 2024-10-04. Review status: criteria provided, single submitter. Criteria: ACMG Guidelines, 2015. Collection method: research. Allele origin: germline. Affected: yes.
Comment: PVS1,PM2,PM3

Labcorp Genetics (formerly Invitae), Labcorp
Classification: Pathogenic. Last evaluated: 2022-08-30. Review status: criteria provided, single submitter. Criteria: Invitae Variant Classification Sherloc (09022015). Collection method: clinical testing. Allele origin: germline.
Comment: This sequence change creates a premature translational stop signal (p.Tyr294*) in the HPS3 gene. It is expected to result in an absent or disrupted protein product. Loss-of-function variants in HPS3 are known to be pathogenic (PMID: 11590544). This variant is present in population databases (rs752087954, gnomAD 0.006%). This variant has not been reported in the literature in individuals affected with HPS3-related conditions. For these reasons, this variant has been classified as Pathogenic.

Literature cited by the submitters: PubMed 11590544 (cited by Labcorp Genetics (formerly Invitae), Labcorp).